The following is an entry in ClinVar:

ClinVar aggregate classification (germline): Uncertain significance. Review status: criteria provided, multiple submitters, no conflicts (2 of 4 stars). 3 submissions from 3 submitters: Uncertain significance (3). Last evaluated 2025-07-27.

Conditions:
Epidermolysis bullosa, junctional 6, with pyloric atresia. Also called: ITGA6-Related Epidermolysis Bullosa with Pyloric Atresia. Identifiers: MedGen C5676957, MONDO:0859233, OMIM 619817.
Inborn genetic diseases. Identifiers: MedGen C0950123, MeSH D030342.

Allele frequency attached by ClinVar (database versions not stated): 1000 Genomes Project 0.00020; gnomAD 0.00011; ExAC 0.00003; ESP Exome Variant Server 0.00008; 1000 Genomes Project 30x 0.00016.
gnomAD v4.1: 31 of 1,608,028 alleles (0.0019%); highest among the groups gnomAD compares: African/African-American, 0.032%; 1 homozygote.

Submissions (3):

Labcorp Genetics (formerly Invitae), Labcorp
Classification: Uncertain significance. Last evaluated: 2025-07-27. Review status: criteria provided, single submitter. Criteria: Invitae Variant Classification Sherloc (09022015). Collection method: clinical testing. Allele origin: germline.
Comment: This sequence change replaces isoleucine, which is neutral and non-polar, with valine, which is neutral and non-polar, at codon 367 of the ITGA6 protein (p.Ile367Val). This variant is present in population databases (rs201246910, gnomAD 0.03%). This variant has not been reported in the literature in individuals affected with ITGA6-related conditions. ClinVar contains an entry for this variant (Variation ID: 2402994). Invitae Evidence Modeling of protein sequence and biophysical properties (such as structural, functional, and spatial information, amino acid conservation, physicochemical variation, residue mobility, and thermodynamic stability) indicates that this missense variant is not expected to disrupt ITGA6 protein function with a negative predictive value of 80%. In summary, the available evidence is currently insufficient to determine the role of this variant in disease. Therefore, it has been classified as a Variant of Uncertain Significance.

Fulgent Genetics
Classification: Uncertain significance for Epidermolysis bullosa, junctional 6, with pyloric atresia. Last evaluated: 2024-01-08. Review status: criteria provided, single submitter. Criteria: ACMG Guidelines, 2015. Collection method: clinical testing. Allele origin: germline.

Ambry Genetics
Classification: Uncertain significance for Inborn genetic diseases. Last evaluated: 2022-08-12. Review status: criteria provided, single submitter. Criteria: Ambry Variant Classification Scheme 2023. Collection method: clinical testing. Allele origin: germline.

NM_000210.4(ITGA6):c.1099A>G (p.Ile367Val)

Genes: ITGA6 (integrin subunit alpha 6; plus strand), PDK1-AS1 (PDK1 and ITGA6 antisense RNA 1; minus strand). Cytogenetic location: 2q31.1.
Variant type: single nucleotide variant.
Coding change: c.1099A>G on transcript NM_000210.4 (MANE Select); coding-DNA position 1099, A replaced by G.
Protein change: p.Ile367Val; replaces isoleucine 367 with valine.
Molecular consequence: missense variant.
Genome position (GRCh38, 1-based): chr2:172,475,041, A>G. VCF-style: chr2-172475041-A-G. GRCh37 (hg19) VCF-style: chr2-173339769-A-G.
Other names: c.1099A>G, p.Ile367Val (NM_001079818.3, NM_001365529.2, NM_001365530.2); c.742A>G, p.Ile248Val (NM_001316306.2); c.1216A>G, p.Ile406Val (NM_001394928.1); short protein forms I367V, I248V, I406V.
Identifiers: ClinVar variation 2402994 (VCV002402994.4), dbSNP rs201246910, ClinGen allele CA1968037.
Genomic context (GRCh38, chr2:172,475,041, plus strand): 5'-GTTGGAGGTGCAGTGTATGTCTACATGAACCAGCAAGGCAGATGGAATAATGTGAAGCCA[A>G]TTCGTCTTAATGGAACCAAAGATTCTATGTTTGGCATTGCAGTAAAAAATATTGGAGATA-3'
Protein context (NP_000201.2, residues 357-377): QQGRWNNVKP[Ile367Val]RLNGTKDSMF